The following is an entry in ClinVar:

ClinVar aggregate classification (germline): Benign/Likely benign. Review status: criteria provided, multiple submitters, no conflicts (2 of 4 stars). 9 submissions from 9 submitters: Benign (4); Likely benign (1). 4 of the submissions do not count toward it. Last evaluated 2025-12-30.

Conditions:
OFD1-related disorder. Also called: OFD1-related condition.
Joubert syndrome. Also called: Familial aplasia of the vermis; JOUBERT-BOLTSHAUSER SYNDROME. Identifiers: Orphanet 475, MedGen C5979921, MONDO:0018772.
Orofaciodigital syndrome I (OFD1). Also called: Oral-Facial-Digital Syndrome Type I; OFDS I; Papillon-Leage and Psaume Syndrome. Identifiers: Orphanet 2750, MedGen C1510460, MONDO:0010702, OMIM 311200.

Allele frequency attached by ClinVar (database versions not stated): gnomAD exomes 0.00025 and 0.00050; ExAC 0.00075; 1000 Genomes Project 0.00106; 1000 Genomes Project 30x 0.00125; ESP Exome Variant Server 0.00142; gnomAD 0.00169 and 0.00184; TOPMed 0.00213.
gnomAD v4.1: 439 of 1,036,164 alleles (0.042%); highest among the groups gnomAD compares: African/African-American, 0.7%; no homozygotes.

Submissions (9):

Labcorp Genetics (formerly Invitae), Labcorp
Classification: Benign for Orofaciodigital syndrome I; Joubert syndrome. Last evaluated: 2025-12-30. Review status: criteria provided, single submitter. Criteria: Invitae Variant Classification Sherloc (09022015). Collection method: clinical testing. Allele origin: germline.

Blueprint Genetics
Classification: Likely benign. Last evaluated: 2024-11-22. Review status: criteria provided, single submitter. Criteria: ACMG Guidelines, 2015. Collection method: clinical testing. Allele origin: germline.

GeneDx
Classification: Benign. Last evaluated: 2021-04-02. Review status: criteria provided, single submitter. Criteria: GeneDx Variant Classification Process June 2021. Collection method: clinical testing. Allele origin: germline. Affected: yes.

Eurofins Ntd Llc (ga)
Classification: Benign. Last evaluated: 2016-06-13. Review status: criteria provided, single submitter. Criteria: EGL Classification Definitions 2015. Collection method: clinical testing. Allele origin: germline. Observed: 1 variant allele, 1 heterozygote.

Genetic Services Laboratory, University of Chicago
Classification: Benign. Last evaluated: 2016-03-21. Review status: criteria provided, single submitter. Criteria: ACMG Guidelines, 2015. Collection method: clinical testing. Allele origin: germline. Affected: no.

PreventionGenetics, part of Exact Sciences
Classification: Likely benign for OFD1-related condition. Last evaluated: 2019-05-20. Review status: no assertion criteria provided. Collection method: clinical testing. Allele origin: germline. Not counted in ClinVar's aggregate classification.
Comment: This variant is classified as likely benign based on ACMG/AMP sequence variant interpretation guidelines (Richards et al. 2015 PMID: 25741868, with internal and published modifications).

Clinical Genetics DNA and cytogenetics Diagnostics Lab, Erasmus MC, Erasmus Medical Center
Classification: Likely benign. Review status: no assertion criteria provided. Collection method: clinical testing. Allele origin: germline. Affected: yes. Study: VKGL Data-share Consensus. Not counted in ClinVar's aggregate classification.

Clinical Genetics, Academic Medical Center
Classification: Benign. Review status: no assertion criteria provided. Collection method: clinical testing. Allele origin: germline. Affected: yes. Study: VKGL Data-share Consensus. Not counted in ClinVar's aggregate classification.

Genome Diagnostics Laboratory, University Medical Center Utrecht
Classification: Likely benign. Review status: no assertion criteria provided. Collection method: clinical testing. Allele origin: germline. Affected: yes. Study: VKGL Data-share Consensus. Not counted in ClinVar's aggregate classification.

NM_003611.3(OFD1):c.1654+8A>G

Gene: OFD1 (OFD1 centriole and centriolar satellite protein; plus strand). Cytogenetic location: Xp22.2.
Variant type: single nucleotide variant.
Coding change: c.1654+8A>G on transcript NM_003611.3 (MANE Select); 8 bases into the intron after coding-DNA position 1654, A replaced by G.
Molecular consequence: intron variant.
Genome position (GRCh38, 1-based): chrX:13,758,456, A>G. VCF-style: chrX-13758456-A-G. GRCh37 (hg19) VCF-style: chrX-13776575-A-G.
Other names: c.1234+8A>G (NM_001330210.2); c.1534+8A>G (NM_001330209.2).
Identifiers: ClinVar variation 159466 (VCV000159466.28), dbSNP rs200767363, ClinGen allele CA272352.